The following is an entry in ClinVar:

NM_004092.4(ECHS1):c.303G>C (p.Lys101Asn)

Gene: ECHS1 (enoyl-CoA hydratase, short chain 1; minus strand). Cytogenetic location: 10q26.3.
Variant type: single nucleotide variant.
Coding change: c.303G>C on transcript NM_004092.4 (MANE Select); coding-DNA position 303, G replaced by C.
Protein change: p.Lys101Asn; replaces lysine 101 with asparagine.
Molecular consequence: missense variant.
Genome position (GRCh38, 1-based): chr10:133,370,015, C>G on the plus strand (G>C on the coding strand, the complement: ECHS1 is on the minus strand). VCF-style: chr10-133370015-C-G. GRCh37 (hg19) VCF-style: chr10-135183519-C-G.
Other names: short protein forms K101N.
Identifiers: ClinVar variation 2097935 (VCV002097935.4), dbSNP rs1477746457, ClinGen allele CA378821957.

ClinVar aggregate classification (germline): Uncertain significance (1 of 4 stars; one submission).

Allele frequency attached by ClinVar (database versions not stated): gnomAD exomes below 0.00001; gnomAD 0.00001.
gnomAD v4.1: 2 of 1,613,700 alleles (0.00012%); highest among the groups gnomAD compares: Non-Finnish European, 0.00017%; no homozygotes.

Submission:

Labcorp Genetics (formerly Invitae), Labcorp
Classification: Uncertain significance. Last evaluated: 2022-08-16. Review status: criteria provided, single submitter. Criteria: Invitae Variant Classification Sherloc (09022015). Collection method: clinical testing. Allele origin: germline.
Comment: This sequence change replaces lysine, which is basic and polar, with asparagine, which is neutral and polar, at codon 101 of the ECHS1 protein (p.Lys101Asn). This variant is not present in population databases (gnomAD no frequency). This variant has not been reported in the literature in individuals affected with ECHS1-related conditions. Advanced modeling of protein sequence and biophysical properties (such as structural, functional, and spatial information, amino acid conservation, physicochemical variation, residue mobility, and thermodynamic stability) performed at Invitae indicates that this missense variant is expected to disrupt ECHS1 protein function. In summary, the available evidence is currently insufficient to determine the role of this variant in disease. Therefore, it has been classified as a Variant of Uncertain Significance.